The following is an entry in ClinVar:

NC_000007.13:g.(?_82508397)_(82586195_?)del

Gene: PCLO (piccolo presynaptic cytomatrix protein; minus strand). Cytogenetic location: 7q21.11.
Variant type: Deletion.
Identifiers: ClinVar variation 3245930 (VCV003245930.1).

ClinVar aggregate classification (germline): Likely pathogenic (1 of 4 stars; one submission).

Submission:

Labcorp Genetics (formerly Invitae), Labcorp
Classification: Likely pathogenic. Last evaluated: 2023-08-01. Review status: criteria provided, single submitter. Criteria: Invitae Variant Classification Sherloc (09022015). Collection method: clinical testing. Allele origin: unknown.
Comment: In summary, the currently available evidence indicates that the variant is pathogenic, but additional data are needed to prove that conclusively. Therefore, this variant has been classified as Likely Pathogenic. This variant has not been reported in the literature in individuals affected with PCLO-related conditions. This variant results in the deletion of exons 6-10 and part of exon 5 (c.4074_13654+256del) of the PCLO gene. It is expected to disrupt RNA splicing. Variants that disrupt the donor or acceptor splice site typically lead to a loss of protein function (PMID: 16199547), and loss-of-function variants in PCLO are known to be pathogenic (PMID: 25832664, 30287594).

Literature cited by the submitters: PubMed 16199547; PubMed 25832664; PubMed 30287594.